The following is an entry in ClinVar:

ClinVar aggregate classification (germline): Uncertain significance (1 of 4 stars; one submission).

Conditions:
Developmental and epileptic encephalopathy, 30 (DEE30). Also called: Epileptic encephalopathy, early infantile, 30. Identifiers: MedGen C4225360, MONDO:0014595, OMIM 616341.

Submission:

Labcorp Genetics (formerly Invitae), Labcorp
Classification: Uncertain significance for Developmental and epileptic encephalopathy, 30. Last evaluated: 2023-11-18. Review status: criteria provided, single submitter. Criteria: Invitae Variant Classification Sherloc (09022015). Collection method: clinical testing. Allele origin: germline.
Comment: This sequence change replaces isoleucine, which is neutral and non-polar, with valine, which is neutral and non-polar, at codon 86 of the SIK1 protein (p.Ile86Val). This variant is not present in population databases (gnomAD no frequency). This variant has not been reported in the literature in individuals affected with SIK1-related conditions. Advanced modeling of protein sequence and biophysical properties (such as structural, functional, and spatial information, amino acid conservation, physicochemical variation, residue mobility, and thermodynamic stability) performed at Invitae indicates that this missense variant is not expected to disrupt SIK1 protein function with a negative predictive value of 95%. In summary, the available evidence is currently insufficient to determine the role of this variant in disease. Therefore, it has been classified as a Variant of Uncertain Significance.

NM_173354.5(SIK1):c.256A>G (p.Ile86Val)

Gene: SIK1 (salt inducible kinase 1; minus strand). Cytogenetic location: 21q22.3.
Variant type: single nucleotide variant.
Coding change: c.256A>G on transcript NM_173354.5 (MANE Select); coding-DNA position 256, A replaced by G.
Protein change: p.Ile86Val; replaces isoleucine 86 with valine.
Molecular consequence: missense variant.
Genome position (GRCh38, 1-based): chr21:43,425,424, T>C on the plus strand (A>G on the coding strand, the complement: SIK1 is on the minus strand). VCF-style: chr21-43425424-T-C. GRCh37 (hg19) VCF-style: chr21-44845304-T-C.
Other names: short protein forms I86V.
Identifiers: ClinVar variation 2697136 (VCV002697136.3), dbSNP rs2081064440, ClinGen allele CA410610653.
Genomic context (GRCh38, chr21:43,425,424, plus strand): 5'-ACATTTGCCAGGATTAGCAGAGAAAGGCAAGCTGACCCCTTACCTGGTAAAGCTTTATGA[T>C]GTGTGGATGGTTCAGAAGCTTCATCAGCTGAACCTCACGATAGATTTTCTCCAAATTGCT-3'
Protein context (NP_775490.2, residues 76-96): QLMKLLNHPH[Ile86Val]IKLYQVMETK